The following is an entry in ClinVar:

ClinVar aggregate classification (germline): Uncertain significance (1 of 4 stars; one submission).

Conditions:
Dilated cardiomyopathy 1DD (CMD1DD). Identifiers: Orphanet 154, MedGen C2750995, MONDO:0013168, OMIM 613172.

Submission:

Labcorp Genetics (formerly Invitae), Labcorp
Classification: Uncertain significance for Dilated cardiomyopathy 1DD. Last evaluated: 2024-01-03. Review status: criteria provided, single submitter. Criteria: Invitae Variant Classification Sherloc (09022015). Collection method: clinical testing. Allele origin: germline.
Comment: This sequence change replaces aspartic acid, which is acidic and polar, with glutamic acid, which is acidic and polar, at codon 702 of the RBM20 protein (p.Asp702Glu). This variant is not present in population databases (gnomAD no frequency). This variant has not been reported in the literature in individuals affected with RBM20-related conditions. Advanced modeling of protein sequence and biophysical properties (such as structural, functional, and spatial information, amino acid conservation, physicochemical variation, residue mobility, and thermodynamic stability) performed at Invitae indicates that this missense variant is not expected to disrupt RBM20 protein function with a negative predictive value of 95%. In summary, the available evidence is currently insufficient to determine the role of this variant in disease. Therefore, it has been classified as a Variant of Uncertain Significance.

NM_001134363.3(RBM20):c.2106C>G (p.Asp702Glu)

Gene: RBM20 (RNA binding motif protein 20; plus strand). Cytogenetic location: 10q25.2.
Variant type: single nucleotide variant.
Coding change: c.2106C>G on transcript NM_001134363.3 (MANE Select); coding-DNA position 2106, C replaced by G.
Protein change: p.Asp702Glu; replaces aspartic acid 702 with glutamic acid.
Molecular consequence: missense variant.
Genome position (GRCh38, 1-based): chr10:110,812,503, C>G. VCF-style: chr10-110812503-C-G. GRCh37 (hg19) VCF-style: chr10-112572261-C-G.
Other names: short protein forms D702E.
Identifiers: ClinVar variation 2894274 (VCV002894274.3), dbSNP rs2493474045, ClinGen allele CA378371787.